The following is an entry in ClinVar:

NM_003859.3(DPM1):c.506A>G (p.Asn169Ser)

Genes: ADNP-AS1 (ADNP antisense RNA 1; plus strand), DPM1 (dolichyl-phosphate mannosyltransferase subunit 1, catalytic; minus strand). Cytogenetic location: 20q13.13.
Variant type: single nucleotide variant.
Coding change: c.506A>G on transcript NM_003859.3 (MANE Select); coding-DNA position 506, A replaced by G.
Protein change: p.Asn169Ser; replaces asparagine 169 with serine.
Molecular consequence: missense variant. On other transcripts: non-coding transcript variant (1), intron variant (1).
Genome position (GRCh38, 1-based): chr20:50,940,922, T>C on the plus strand (A>G on the coding strand, the complement: DPM1 is on the minus strand). VCF-style: chr20-50940922-T-C. GRCh37 (hg19) VCF-style: chr20-49557459-T-C.
Other names: c.611A>G, p.Asn204Ser (NM_001317034.1); c.587A>G, p.Asn196Ser (NM_001317035.1); c.494+1109A>G (NM_001317036.1); short protein forms N169S, N196S, N204S.
Identifiers: ClinVar variation 167008 (VCV000167008.10), dbSNP rs727503905, ClinGen allele CA233916.
Genomic context (GRCh38, chr20:50,940,922, plus strand): 5'-TACCTGAAACTTCCTGTTAAATCAGATGCTCCTGGTCTCAGCAAGATCTGAGTTAAAAAA[T>C]TGGCCCCACGGCTGCCAAATAAAACAATCAGATCTTCTTTACAAAATACAATTTATAAAC-3'
Protein context (NP_003850.1, residues 159-179): LKRKIISRGA[Asn169Ser]FLTQILLRPG

ClinVar aggregate classification (germline): Uncertain significance. Review status: criteria provided, multiple submitters, no conflicts (2 of 4 stars). 5 submissions from 5 submitters: Uncertain significance (5). Last evaluated 2025-11-01.

Conditions:
Congenital disorder of glycosylation type 1E (CDG1E). Also called: CDG Ie; CONGENITAL DISORDER OF GLYCOSYLATION, TYPE Ie. Identifiers: Orphanet 79322, MedGen C1837396, MONDO:0012123, OMIM 608799.

Allele frequency attached by ClinVar (database versions not stated): gnomAD 0.00001; ExAC 0.00001; gnomAD exomes 0.00001 and below 0.00001; TOPMed 0.00001.
gnomAD v4.1: 8 of 1,613,782 alleles (0.0005%); highest among the groups gnomAD compares: Non-Finnish European, 0.00059%; no homozygotes.

Submissions (5):

Medical Molecular Genetics, National Research Centre
Classification: Uncertain significance for Congenital disorder of glycosylation type 1E. Last evaluated: 2025-11-01. Review status: criteria provided, single submitter. Criteria: ACMG Guidelines, 2015. Collection method: research. Allele origin: inherited. Affected: yes.

Labcorp Genetics (formerly Invitae), Labcorp
Classification: Uncertain significance for Congenital disorder of glycosylation type 1E. Last evaluated: 2022-08-13. Review status: criteria provided, single submitter. Criteria: Invitae Variant Classification Sherloc (09022015). Collection method: clinical testing. Allele origin: germline.
Comment: This sequence change replaces asparagine, which is neutral and polar, with serine, which is neutral and polar, at codon 169 of the DPM1 protein (p.Asn169Ser). This variant is present in population databases (rs727503905, gnomAD 0.01%). This missense change has been observed in individual(s) with congenital disorder of glycosylation type 1e (PMID: 15771971). ClinVar contains an entry for this variant (Variation ID: 167008). Algorithms developed to predict the effect of missense changes on protein structure and function are either unavailable or do not agree on the potential impact of this missense change (SIFT: "Tolerated"; PolyPhen-2: "Probably Damaging"; Align-GVGD: "Class C0"). In summary, the available evidence is currently insufficient to determine the role of this variant in disease. Therefore, it has been classified as a Variant of Uncertain Significance.

Clinical Genetics Laboratory, Skane University Hospital Lund
Classification: Uncertain significance. Last evaluated: 2022-07-25. Review status: criteria provided, single submitter. Criteria: ACMG Guidelines, 2015. Collection method: clinical testing. Allele origin: germline. Affected: yes.

3billion
Classification: Uncertain significance for Congenital disorder of glycosylation type 1E. Last evaluated: 2022-01-03. Review status: criteria provided, single submitter. Criteria: ACMG Guidelines, 2015. Collection method: clinical testing. Allele origin: germline. Affected: yes. Observed: 1 homozygote.
Comment: Same nucleotide change resulting in same amino acid change has been previously reported to be associated with DPM1 related disorder (PMID:15771971, PS1_P). In silico tool predictions suggest damaging effect of the variant on gene or gene product (3CNET: 0.752, PP3_P). A missense variant is a common mechanism associated with Congenital disorder of glycosylation (PP2_P). It is observed at an extremely low frequency in the gnomAD v2.1.1 dataset (total allele frequency: 0.000004, PM2_M). Therefore, this variant is classified as uncertain significance according to the recommendation of ACMG/AMP guideline.

Eurofins Ntd Llc (ga)
Classification: Uncertain significance. Last evaluated: 2014-02-27. Review status: criteria provided, single submitter. Criteria: EGL Classification Definitions 2015. Collection method: clinical testing. Allele origin: germline. Observed: 1 variant allele, 1 heterozygote.

Literature cited by the submitters: PubMed 15771971 (cited by Labcorp Genetics (formerly Invitae), Labcorp and 3billion).